The following is an entry in ClinVar:

ClinVar aggregate classification (germline): Conflicting classifications of pathogenicity. Review status: criteria provided, conflicting classifications (1 of 4 stars). 4 submissions from 4 submitters: Likely pathogenic (1); Uncertain significance (3). Last evaluated 2025-11-03.

Conditions:
Hereditary cancer-predisposing syndrome. Also called: Hereditary Cancer Syndrome; Hereditary neoplastic syndrome; Neoplastic Syndromes, Hereditary; Tumor predisposition. Identifiers: Orphanet 140162, MedGen C0027672, MeSH D009386, MONDO:0015356.

Allele frequency attached by ClinVar (database versions not stated): gnomAD exomes below 0.00001; TOPMed below 0.00001; ExAC 0.00001; gnomAD 0.00001.
gnomAD v4.1: 5 of 1,613,776 alleles (0.00031%); highest among the groups gnomAD compares: Non-Finnish European, 0.00042%; no homozygotes.

Submissions (4):

Labcorp Genetics (formerly Invitae), Labcorp
Classification: Uncertain significance. Last evaluated: 2025-11-03. Review status: criteria provided, single submitter. Criteria: Invitae Variant Classification Sherloc (09022015). Collection method: clinical testing. Allele origin: germline.
Comment: This sequence change affects an acceptor splice site in intron 22 of the POLE gene. It is expected to disrupt RNA splicing. Variants that disrupt the donor or acceptor splice site typically lead to a loss of protein function (PMID: 16199547), and loss-of-function variants in POLE are known to be pathogenic (PMID: 23230001, 25948378, 30503519). This variant is present in population databases (rs751662353, gnomAD 0.007%). This variant has not been reported in the literature in individuals affected with POLE-related conditions. ClinVar contains an entry for this variant (Variation ID: 405586). Studies have shown that disruption of this splice site is associated with altered splicing resulting in out-of-frame and in-frame RNA products (internal data). In summary, the available evidence is currently insufficient to determine the role of this variant in disease. Therefore, it has been classified as a Variant of Uncertain Significance.

Ambry Genetics
Classification: Uncertain significance for Hereditary cancer-predisposing syndrome. Last evaluated: 2025-01-17. Review status: criteria provided, single submitter. Criteria: Ambry Variant Classification Scheme 2023. Collection method: clinical testing. Allele origin: germline.
Comment: The c.2562-2A>C intronic variant results from an A to C substitution two nucleotides upstream from coding exon 23 in the POLE gene. Alterations that disrupt the canonical splice site are expected to result in aberrant splicing. In silico splice site analysis predicts that this alteration will weaken the native splice acceptor site and will result in the creation or strengthening of a novel splice acceptor site. The resulting transcript is predicted to be in-frame and is not expected to trigger nonsense-mediated mRNAdecay; although, direct evidence is unavailable. This nucleotide position is highly conserved in available vertebrate species. Based on the available evidence, the clinical significance of this variant remains unclear.

GeneDx
Classification: Likely pathogenic. Last evaluated: 2024-03-05. Review status: criteria provided, single submitter. Criteria: GeneDx Variant Classification Process June 2021. Collection method: clinical testing. Allele origin: germline. Affected: yes.
Comment: Canonical splice site variant predicted to result in a null allele in a gene for which loss of function is a known mechanism of disease; Not observed at significant frequency in large population cohorts (gnomAD); Has not been previously published as pathogenic or benign to our knowledge; This variant is associated with the following publications: (PMID: 23447401, 23263490)

PreventionGenetics, part of Exact Sciences
Classification: Uncertain significance. Last evaluated: 2017-04-06. Review status: criteria provided, single submitter. Criteria: ACMG Guidelines, 2015. Collection method: clinical testing. Allele origin: germline.

Literature cited by the submitters: PubMed 16199547 (cited by Labcorp Genetics (formerly Invitae), Labcorp); PubMed 23230001 (cited by Labcorp Genetics (formerly Invitae), Labcorp); PubMed 25948378 (cited by Labcorp Genetics (formerly Invitae), Labcorp); PubMed 30503519 (cited by Labcorp Genetics (formerly Invitae), Labcorp).

NM_006231.4(POLE):c.2562-2A>C

Gene: POLE (DNA polymerase epsilon, catalytic subunit; minus strand). Cytogenetic location: 12q24.33.
Variant type: single nucleotide variant.
Coding change: c.2562-2A>C on transcript NM_006231.4 (MANE Select); the canonical splice acceptor site of the intron before coding-DNA position 2562, A replaced by C.
Molecular consequence: splice acceptor variant.
Genome position (GRCh38, 1-based): chr12:132,664,150, T>G on the plus strand (A>C on the coding strand, the complement: POLE is on the minus strand). VCF-style: chr12-132664150-T-G. GRCh37 (hg19) VCF-style: chr12-133240736-T-G.
Identifiers: ClinVar variation 405586 (VCV000405586.15), dbSNP rs751662353, ClinGen allele CA6893495.